The following is an entry in ClinVar:

ClinVar aggregate classification (germline): Pathogenic (1 of 4 stars; one submission).

Conditions:
Bardet-Biedl syndrome 16 (BBS16). Identifiers: Orphanet 110, MedGen C3889474, MONDO:0014444, OMIM 615993.
Senior-Loken syndrome 7 (SLSN7). Identifiers: Orphanet 3156, MedGen C3150877, MONDO:0013326, OMIM 613615.

Submission:

Labcorp Genetics (formerly Invitae), Labcorp
Classification: Pathogenic for Bardet-Biedl syndrome 16; Senior-Loken syndrome 7. Last evaluated: 2023-10-05. Review status: criteria provided, single submitter. Criteria: Invitae Variant Classification Sherloc (09022015). Collection method: clinical testing. Allele origin: unknown.
Comment: This variant is a gross deletion of the genomic region encompassing exon(s) 2-4 of the SDCCAG8 gene. This deletion is out-of-frame, and is expected to create a premature termination codon and result in an absent or disrupted protein product. Loss-of-function variants in SDCCAG8 are known to be pathogenic (PMID: 20835237, 22190896). This variant has not been reported in the literature in individuals affected with SDCCAG8-related conditions. For these reasons, this variant has been classified as Pathogenic.

Literature cited by the submitters: PubMed 20835237; PubMed 22190896.

NC_000001.10:g.(?_243433387)_(243437978_?)del

Gene: SDCCAG8 (SHH signaling and ciliogenesis regulator SDCCAG8; plus strand). Cytogenetic location: 1q43.
Variant type: Deletion.
Identifiers: ClinVar variation 3247839 (VCV003247839.1).